The following is an entry in ClinVar:

ClinVar aggregate classification (germline): Benign/Likely benign. Review status: criteria provided, multiple submitters, no conflicts (2 of 4 stars). 10 submissions from 10 submitters: Benign (4); Likely benign (3). 3 of the submissions do not count toward it. Last evaluated 2026-02-03.

Conditions:
Cardiovascular phenotype. Identifiers: MedGen CN230736.
Hypertrophic cardiomyopathy 19. Also called: Familial hypertrophic cardiomyopathy 19. Identifiers: MedGen CN077603, MONDO:0013476.

Allele frequency attached by ClinVar (database versions not stated): 1000 Genomes Project 30x 0.00484; 1000 Genomes Project 0.00539; TOPMed 0.00891; gnomAD 0.01174 and 0.01186; ESP Exome Variant Server 0.01215.

Submissions (10):

Labcorp Genetics (formerly Invitae), Labcorp
Classification: Benign for Hypertrophic cardiomyopathy 19. Last evaluated: 2026-02-03. Review status: criteria provided, single submitter. Criteria: Invitae Variant Classification Sherloc (09022015). Collection method: clinical testing. Allele origin: germline.

Blueprint Genetics
Classification: Likely benign. Last evaluated: 2024-11-26. Review status: criteria provided, single submitter. Criteria: ACMG Guidelines, 2015. Collection method: clinical testing. Allele origin: germline.

GeneDx
Classification: Likely benign. Last evaluated: 2020-02-23. Review status: criteria provided, single submitter. Criteria: GeneDx Variant Classification Process June 2021. Collection method: clinical testing. Allele origin: germline. Affected: yes.

Women's Health and Genetics/Laboratory Corporation of America, LabCorp
Classification: Benign. Last evaluated: 2017-08-17. Review status: criteria provided, single submitter. Criteria: LabCorp Variant Classification Summary - May 2015. Collection method: clinical testing. Allele origin: germline.
Comment: Variant summary: The CALR3 c.861G>A (p.Thr287Thr) variant involves the alteration of a non-conserved nucleotide, resulting in a synonymous change. One in silico tool predicts a benign outcome for this variant. 3/5 splice prediction tools predict no significant impact on normal splicing. ESE finder predicts that this variant may not abrogate existing or create new ESE sites. However, these predictions have yet to be confirmed by functional studies. This variant was found in 1523/121410 control chromosomes (18 homozygotes) from ExAC at a frequency of 0.0125443, which is approximately 502 times the estimated maximal expected allele frequency of a pathogenic CALR3 variant (0.000025), suggesting this variant is likely a benign polymorphism. One clinical diagnostic laboratory in ClinVar has classified this variant as benign. To our knowledge, this variant has not been reported in affected individuals in literature. Taken together, this variant is classified as benign.

Clinical Genetics DNA and cytogenetics Diagnostics Lab, Erasmus MC, Erasmus Medical Center
Classification: Benign for Hypertrophic cardiomyopathy 1. Last evaluated: 2017-06-28. Review status: criteria provided, single submitter. Criteria: ACGS Guidelines, 2013. Collection method: clinical testing. Allele origin: germline. Affected: yes. Study: VKGL Data-share Consensus.

Ambry Genetics
Classification: Benign for Cardiovascular phenotype. Last evaluated: 2013-02-15. Review status: criteria provided, single submitter. Criteria: Ambry Autosomal Dominant and X-Linked criteria (10/2015). Collection method: clinical testing. Allele origin: germline. Observed: 1 variant allele.
Comment: General population or subpopulation frequency is too high to be a pathogenic mutation based on disease/syndrome prevalence and penetrance

Breakthrough Genomics
Classification: Likely benign. Review status: criteria provided, single submitter. Criteria: ACMG Guidelines, 2015. Collection method: not provided. Allele origin: germline. Inheritance: Unknown mechanism. Affected: yes.

Clinical Genetics, Academic Medical Center
Classification: Benign. Review status: no assertion criteria provided. Collection method: clinical testing. Allele origin: germline. Affected: yes. Study: VKGL Data-share Consensus. Not counted in ClinVar's aggregate classification.

Diagnostic Laboratory, Department of Genetics, University Medical Center Groningen
Classification: Likely benign for Hypertrophic cardiomyopathy 1. Review status: no assertion criteria provided. Collection method: clinical testing. Allele origin: germline. Affected: yes. Study: VKGL Data-share Consensus. Not counted in ClinVar's aggregate classification.

Joint Genome Diagnostic Labs from Nijmegen and Maastricht, Radboudumc and MUMC+
Classification: Benign. Review status: no assertion criteria provided. Collection method: clinical testing. Allele origin: germline. Affected: yes. Study: VKGL Data-share Consensus. Not counted in ClinVar's aggregate classification.

NM_145046.5(CALR3):c.861G>A (p.Thr287=)

Gene: CALR3 (calreticulin 3; minus strand). Cytogenetic location: 19p13.11.
Variant type: single nucleotide variant.
Coding change: c.861G>A on transcript NM_145046.5 (MANE Select); coding-DNA position 861, G replaced by A.
Protein change: p.Thr287=; no amino-acid change (threonine 287 retained).
Molecular consequence: synonymous variant.
Genome position (GRCh38, 1-based): chr19:16,482,507, C>T on the plus strand (G>A on the coding strand, the complement: CALR3 is on the minus strand). VCF-style: chr19-16482507-C-T. GRCh37 (hg19) VCF-style: chr19-16593318-C-T.
Identifiers: ClinVar variation 220787 (VCV000220787.22), dbSNP rs118131979, ClinGen allele CA349900.